The following is an entry in ClinVar:

ClinVar aggregate classification (germline): Uncertain significance (1 of 4 stars; one submission).

Submission:

Ambry Genetics
Classification: Uncertain significance. Last evaluated: 2021-12-10. Review status: criteria provided, single submitter. Criteria: Ambry Variant Classification Scheme 2023. Collection method: clinical testing. Allele origin: germline.
Comment: The p.K614N variant (also known as c.1842G>T), located in coding exon 14 of the RECQL gene, results from a G to T substitution at nucleotide position 1842. The lysine at codon 614 is replaced by asparagine, an amino acid with similar properties. This amino acid position is conserved. In addition, this alteration is predicted to be tolerated by in silico analysis. Since supporting evidence is limited at this time, the clinical significance of this alteration remains unclear.

NM_002907.4(RECQL):c.1842G>T (p.Lys614Asn)

Genes: PYROXD1 (pyridine nucleotide-disulphide oxidoreductase domain 1; plus strand), RECQL (RecQ like helicase; minus strand). Cytogenetic location: 12p12.1.
Variant type: single nucleotide variant.
Coding change: c.1842G>T on transcript NM_002907.4 (MANE Select); coding-DNA position 1842, G replaced by T.
Protein change: p.Lys614Asn; replaces lysine 614 with asparagine.
Molecular consequence: missense variant. On other transcripts: 3 prime UTR variant (3).
Genome position (GRCh38, 1-based): chr12:21,470,302, C>A on the plus strand (G>T on the coding strand, the complement: RECQL is on the minus strand). VCF-style: chr12-21470302-C-A. GRCh37 (hg19) VCF-style: chr12-21623236-C-A.
Other names: c.1842G>T, p.Lys614Asn (NM_032941.3); c.*1548C>A (NM_001350912.2, NM_001350913.2, NM_024854.5); short protein forms K614N.
Identifiers: ClinVar variation 1781185 (VCV001781185.2), dbSNP rs1942907720, ClinGen allele CA384113898.
Genomic context (GRCh38, chr12:21,470,302, plus strand): 5'-AGATTGCTGAAGCATGTTTGCAGCCTTCTTCTGGAAGTTGCCTGAATTTTTTTCCTCCAT[C>A]TTTTTATCACCTTGTTCAGAATGACAAGTTTGAGACGATTCAGCCTACAAAAAAAAAAAA-3'
Protein context (NP_002898.2, residues 604-624): QTCHSEQGDK[Lys614Asn]MEEKNSGNFQ